The following is an entry in ClinVar:

NM_001113378.2(FANCI):c.1626G>C (p.Leu542=)

Gene: FANCI (FA complementation group I; plus strand). Cytogenetic location: 15q26.1.
Variant type: single nucleotide variant.
Coding change: c.1626G>C on transcript NM_001113378.2 (MANE Select); coding-DNA position 1626, G replaced by C.
Protein change: p.Leu542=; no amino-acid change (leucine 542 retained).
Molecular consequence: synonymous variant.
Genome position (GRCh38, 1-based): chr15:89,283,178, G>C. VCF-style: chr15-89283178-G-C. GRCh37 (hg19) VCF-style: chr15-89826409-G-C.
Other names: c.1347G>C, p.Leu449= (NM_001376910.1); c.1626G>C, p.Leu542= (NM_001376911.1, NM_018193.3).
Identifiers: ClinVar variation 2715443 (VCV002715443.3), dbSNP rs2506958017, ClinGen allele CA492077033.

ClinVar aggregate classification (germline): Uncertain significance (1 of 4 stars; one submission).

Conditions:
Fanconi anemia (FA). Also called: Fanconi's anemia. Identifiers: Orphanet 84, MedGen C0015625, MeSH D005199, MONDO:0019391.

Submission:

Labcorp Genetics (formerly Invitae), Labcorp
Classification: Uncertain significance for Fanconi anemia. Last evaluated: 2026-01-06. Review status: criteria provided, single submitter. Criteria: Invitae Variant Classification Sherloc (09022015). Collection method: clinical testing. Allele origin: germline.
Comment: This sequence change affects codon 542 of the FANCI mRNA. It is a 'silent' change, meaning that it does not change the encoded amino acid sequence of the FANCI protein. This variant is not present in population databases (gnomAD no frequency). This variant has not been reported in the literature in individuals affected with FANCI-related conditions. ClinVar contains an entry for this variant (Variation ID: 2715443). Algorithms developed to predict the effect of sequence changes on RNA splicing suggest that this variant may disrupt the consensus splice site. In summary, the available evidence is currently insufficient to determine the role of this variant in disease. Therefore, it has been classified as a Variant of Uncertain Significance.